The following is an entry in ClinVar:

ClinVar aggregate classification (germline): Uncertain significance (1 of 4 stars; one submission).

Conditions:
Sulfite oxidase deficiency. Also called: Isolated sulfite oxidase deficiency. Identifiers: Orphanet 833, Orphanet 99731, MedGen C0268624, MONDO:0010089, OMIM 272300, HP:0003643.

Allele frequency attached by ClinVar (database versions not stated): gnomAD exomes below 0.00001; gnomAD 0.00001 and 0.00002; TOPMed 0.00003.
gnomAD v4.1: 5 of 1,614,076 alleles (0.00031%); highest among the groups gnomAD compares: South Asian, 0.0011%; no homozygotes.

Submission:

Labcorp Genetics (formerly Invitae), Labcorp
Classification: Uncertain significance for Sulfite oxidase deficiency. Last evaluated: 2022-06-20. Review status: criteria provided, single submitter. Criteria: Invitae Variant Classification Sherloc (09022015). Collection method: clinical testing. Allele origin: germline.
Comment: This sequence change replaces isoleucine, which is neutral and non-polar, with valine, which is neutral and non-polar, at codon 525 of the SUOX protein (p.Ile525Val). This variant is not present in population databases (gnomAD no frequency). This variant has not been reported in the literature in individuals affected with SUOX-related conditions. ClinVar contains an entry for this variant (Variation ID: 1045213). Algorithms developed to predict the effect of missense changes on protein structure and function are either unavailable or do not agree on the potential impact of this missense change (SIFT: "Deleterious"; PolyPhen-2: "Benign"; Align-GVGD: "Class C0"). Algorithms developed to predict the effect of sequence changes on RNA splicing suggest that this variant may create or strengthen a splice site. In summary, the available evidence is currently insufficient to determine the role of this variant in disease. Therefore, it has been classified as a Variant of Uncertain Significance.

NM_001032386.2(SUOX):c.1573A>G (p.Ile525Val)

Gene: SUOX (sulfite oxidase; plus strand). Cytogenetic location: 12q13.2.
Variant type: single nucleotide variant.
Coding change: c.1573A>G on transcript NM_001032386.2 (MANE Select); coding-DNA position 1573, A replaced by G.
Protein change: p.Ile525Val; replaces isoleucine 525 with valine.
Molecular consequence: missense variant.
Genome position (GRCh38, 1-based): chr12:56,004,962, A>G. VCF-style: chr12-56004962-A-G. GRCh37 (hg19) VCF-style: chr12-56398746-A-G.
Other names: c.1573A>G, p.Ile525Val (NM_001032387.2, NM_000456.3); short protein forms I525V.
Identifiers: ClinVar variation 1045213 (VCV001045213.7), dbSNP rs980891298, ClinGen allele CA237605366.